The following is an entry in ClinVar:

NM_053274.3(GLMN):c.1073del (p.Ile358fs)

Gene: GLMN (glomulin, FKBP associated protein; minus strand). Cytogenetic location: 1p22.1.
Variant type: Deletion.
Coding change: c.1073del on transcript NM_053274.3 (MANE Select); coding-DNA position 1073, one base deleted (T; older notation c.1073delT).
Protein change: p.Ile358fs; shifts the reading frame from isoleucine 358.
Molecular consequence: frameshift variant. On other transcripts: non-coding transcript variant (1).
Genome position (GRCh38, 1-based): chr1:92,267,938, A deleted on the plus strand (T on the coding strand, the reverse complement: GLMN is on the minus strand). VCF-style (leftmost placement, unchanged base first): chr1-92267937-GA-G. GRCh37 (hg19) VCF-style: chr1-92733494-GA-G.
Other names: c.1073del, p.Ile358fs (NM_001319683.2); short protein forms I358fs.
Identifiers: ClinVar variation 1691367 (VCV001691367.2), dbSNP rs774710697, ClinGen allele CA950386.

ClinVar aggregate classification (germline): Pathogenic (1 of 4 stars; one submission).

Allele frequency attached by ClinVar (database versions not stated): gnomAD exomes 0.00001 and 0.00002; ExAC 0.00002.

Submission:

Seattle Children's Hospital Molecular Genetics Laboratory, Seattle Children's Hospital
Classification: Pathogenic. Last evaluated: 2021-12-06. Review status: criteria provided, single submitter. Criteria: ACMG Guidelines, 2015. Collection method: clinical testing. Allele origin: germline. Affected: yes.
Comment: The deletion of a single nucleotide results in a frameshift, replacing the threonine at position 358 of the protein with an isoleucine, followed by a premature stop codon 11 amino acids downstream. This variant is predicted to result in a loss of gene function, which is a known mechanism of disease for GLMN-related disorder (PMID: 23801931). While this variant has not been reported in patient databases, similar variants resulting in nearby frameshifts have (NM_053274.2:c.1078_1079del, p.Ser360fs, ClinVar Variation ID: 1073647 and NM_053274.2:c.1083del, p.Thr363fs, ClinVar Variation ID: 801500), as well as many frameshift variants in the literature among individuals with glomuvenous malformations (GVMs) (PMID: 23801931.and others). This variant is absent from the general population (gnomAD v2.1.1).